The following is an entry in ClinVar:

ClinVar aggregate classification (germline): Likely benign. Review status: criteria provided, multiple submitters, no conflicts (2 of 4 stars). 2 submissions from 2 submitters: Likely benign (2). Last evaluated 2022-06-24.

Conditions:
Developmental and epileptic encephalopathy, 8 (DEE8). Also called: HYPEREKPLEXIA AND EPILEPSY. Identifiers: Orphanet 163985, Orphanet 2076, MedGen C1845102, MONDO:0010375, OMIM 300607.

Allele frequency attached by ClinVar (database versions not stated): gnomAD exomes 0.00002.
gnomAD v4.1: 19 of 1,207,303 alleles (0.0016%); highest among the groups gnomAD compares: Non-Finnish European, 0.0021%; no homozygotes.

Submissions (2):

Labcorp Genetics (formerly Invitae), Labcorp
Classification: Likely benign for Developmental and epileptic encephalopathy, 8. Last evaluated: 2022-06-24. Review status: criteria provided, single submitter. Criteria: Invitae Variant Classification Sherloc (09022015). Collection method: clinical testing. Allele origin: germline.

GeneDx
Classification: Likely benign. Last evaluated: 2018-01-16. Review status: criteria provided, single submitter. Criteria: GeneDx Variant Classification (06012015). Collection method: clinical testing. Allele origin: germline. Affected: yes.
Comment: This variant is considered likely benign or benign based on one or more of the following criteria: it is a conservative change, it occurs at a poorly conserved position in the protein, it is predicted to be benign by multiple in silico algorithms, and/or has population frequency not consistent with disease.

NM_001353921.2(ARHGEF9):c.234G>A (p.Glu78=)

Gene: ARHGEF9 (Cdc42 guanine nucleotide exchange factor 9; minus strand). Cytogenetic location: Xq11.1.
Variant type: single nucleotide variant.
Coding change: c.234G>A on transcript NM_001353921.2 (MANE Select); coding-DNA position 234, G replaced by A.
Protein change: p.Glu78=; no amino-acid change (glutamic acid 78 retained).
Molecular consequence: synonymous variant. On other transcripts: 5 prime UTR variant (3).
Genome position (GRCh38, 1-based): chrX:63,706,426, C>T on the plus strand (G>A on the coding strand, the complement: ARHGEF9 is on the minus strand). VCF-style: chrX-63706426-C-T. GRCh37 (hg19) VCF-style: chrX-62926306-C-T.
Other names: c.54G>A, p.Glu18= (NM_001173479.2); c.-94G>A (NM_001173480.2, NM_001369042.1); c.150G>A, p.Glu50= (NM_001330495.2, NM_001353927.2, NM_001369033.1 and 8 more transcripts); c.234G>A, p.Glu78= (NM_001353922.2); c.252G>A, p.Glu84= (NM_001353923.1); c.33G>A, p.Glu11= (NM_001353924.2, NM_001353926.2, NM_001369039.1 and 1 more transcripts); c.213G>A, p.Glu71= (NM_001353928.2, NM_001369030.1, NM_001369031.1 and 2 more transcripts); c.-470G>A (NM_001369045.1).
Identifiers: ClinVar variation 514703 (VCV000514703.9), dbSNP rs868932053, ClinGen allele CA516872275.